The following is an entry in ClinVar:

ClinVar aggregate classification (germline): Benign (1 of 4 stars; one submission).

Allele frequency attached by ClinVar (database versions not stated): 1000 Genomes Project 0.00679; ESP Exome Variant Server 0.05264.

Submission:

CeGaT Center for Human Genetics Tuebingen
Classification: Benign. Last evaluated: 2022-05-01. Review status: criteria provided, single submitter. Criteria: CeGaT Center For Human Genetics Tuebingen Variant Classification Criteria Version 2. Collection method: clinical testing. Allele origin: germline. Affected: yes. Observed: 1 variant allele.
Comment: HLA-B: BS1, BS2

NM_005514.8(HLA-B):c.206_207insT (p.Glu69fs)

Gene: HLA-B (major histocompatibility complex, class I, B; minus strand). Cytogenetic location: 6p21.33.
Variant type: Insertion.
Coding change: c.206_207insT on transcript NM_005514.8 (MANE Select); coding-DNA positions 206 to 207, T inserted.
Protein change: p.Glu69fs; shifts the reading frame from glutamic acid 69.
Molecular consequence: frameshift variant.
Genome position: GRCh38 VCF-style: chr6-31356824-C-CA. GRCh37 (hg19) VCF-style: chr6-31324601-C-CA.
Other names: short protein forms E69fs.
Identifiers: ClinVar variation 2656398 (VCV002656398.24), dbSNP rs9281379, ClinGen allele CA3711836.